The following is an entry in ClinVar:

ClinVar aggregate classification (germline): Pathogenic. Review status: criteria provided, single submitter (1 of 4 stars). 2 submissions from 2 submitters: Pathogenic (1). 1 of the submissions does not count toward it. Last evaluated 2022-03-16.

Conditions:
Recessive dystrophic epidermolysis bullosa (RDEB). Also called: Recessive DEB (RDEB); DYSTROPHIC EPIDERMOLYSIS BULLOSA, AUTOSOMAL RECESSIVE; Hallopeau-Siemens Disease; Epidermolysis Bullosa Distrophica Autosomal Recessive (RDEB); severe generalized recessive dystrophic epidermolysis bullosa; EPIDERMOLYSIS BULLOSA DYSTROPHICA, HALLOPEAU-SIEMENS TYPE. Identifiers: Orphanet 79408, Orphanet 79409, MedGen C0079474, MONDO:0009179, OMIM 226600.

Submissions (2):

Labcorp Genetics (formerly Invitae), Labcorp
Classification: Pathogenic. Last evaluated: 2022-03-16. Review status: criteria provided, single submitter. Criteria: Invitae Variant Classification Sherloc (09022015). Collection method: clinical testing. Allele origin: germline.
Comment: For these reasons, this variant has been classified as Pathogenic. ClinVar contains an entry for this variant (Variation ID: 17428). This variant is also known as 5818delC. This premature translational stop signal has been observed in individual(s) with autosomal recessive dystrophic epidermolysis bullosa (PMID: 7883979). In at least one individual the data is consistent with being in trans (on the opposite chromosome) from a pathogenic variant. It has also been observed to segregate with disease in related individuals. This variant is not present in population databases (gnomAD no frequency). This sequence change creates a premature translational stop signal (p.Pro1940Argfs*65) in the COL7A1 gene. It is expected to result in an absent or disrupted protein product. Loss-of-function variants in COL7A1 are known to be pathogenic (PMID: 16971478).

OMIM
Classification: Pathogenic for EPIDERMOLYSIS BULLOSA DYSTROPHICA, AUTOSOMAL RECESSIVE. Last evaluated: 2002-02-01. Review status: no assertion criteria provided. Collection method: literature only. Allele origin: germline. Not counted in ClinVar's aggregate classification.

Literature cited by the submitters: PubMed 7883979 (cited by Labcorp Genetics (formerly Invitae), Labcorp and OMIM); PubMed 16971478 (cited by Labcorp Genetics (formerly Invitae), Labcorp); PubMed 11843659 (cited by OMIM).

NM_000094.4(COL7A1):c.5819del (p.Pro1940fs)

Gene: COL7A1 (collagen type VII alpha 1 chain; minus strand). Cytogenetic location: 3p21.31.
Variant type: Deletion.
Coding change: c.5819del on transcript NM_000094.4 (MANE Select); coding-DNA position 5819, one base deleted (C; older notation c.5819delC).
Protein change: p.Pro1940fs; shifts the reading frame from proline 1940.
Molecular consequence: frameshift variant.
Genome position (GRCh38, 1-based): chr3:48,576,250, G deleted on the plus strand (C on the coding strand, the reverse complement: COL7A1 is on the minus strand); the first of 2 consecutive G bases (chr3:48,576,250-48,576,251); deleting either gives the same sequence. VCF-style (leftmost placement, unchanged base first): chr3-48576249-CG-C. GRCh37 (hg19) VCF-style: chr3-48613682-CG-C.
Other names: c.5819delC (NM_000094.3); short protein forms P1940fs.
Identifiers: ClinVar variation 17428 (VCV000017428.6), dbSNP rs1575442301, ClinGen allele CA913189123.
Genomic context (GRCh38, chr3:48,576,249, plus strand): 5'-CAAGGTGGCCCCAATGGGCATGCAAAACAGAGTCAAGGGGACATCCCAAGCCTGGCTCAC[CG>C]GCACACTTCCAGGCTCTCCTCGCAGGCCACGCTCTCCAGGGAGGCCCTGGAGAGATGAAG-3'